The following is an entry in ClinVar:

ClinVar aggregate classification (germline): Benign/Likely benign. Review status: criteria provided, multiple submitters, no conflicts (2 of 4 stars). 7 submissions from 7 submitters: Benign (3); Likely benign (2). 2 of the submissions do not count toward it. Last evaluated 2026-06-01.

Conditions:
Cone-rod dystrophy. Also called: Cone-rod degeneration; Cone/cone-rod dystrophy. Identifiers: Orphanet 1872, MedGen C4085590, MONDO:0015993, HP:0000548.

Allele frequency attached by ClinVar (database versions not stated): ExAC 0.00086; gnomAD exomes 0.00095; ESP Exome Variant Server 0.00115; TOPMed 0.00117; 1000 Genomes Project 0.00120; 1000 Genomes Project 30x 0.00125; gnomAD 0.00084.
gnomAD v4.1: 1,613 of 1,614,176 alleles (0.1%); highest among the groups gnomAD compares: Middle Eastern, 0.81%; 7 homozygotes.

Submissions (9):

CeGaT Center for Human Genetics Tuebingen
Classification: Likely benign. Last evaluated: 2026-06-01. Review status: criteria provided, single submitter. Criteria: CeGaT Center For Human Genetics Tuebingen Variant Classification Criteria Version 2. Collection method: clinical testing. Allele origin: germline. Affected: yes. Observed: 2 variant alleles.
Comment: UNC119: BP4, BP7

Labcorp Genetics (formerly Invitae), Labcorp
Classification: Benign. Last evaluated: 2025-12-10. Review status: criteria provided, single submitter. Criteria: Invitae Variant Classification Sherloc (09022015). Collection method: clinical testing. Allele origin: germline.

Blueprint Genetics
Classification: Likely benign. Last evaluated: 2024-11-26. Review status: criteria provided, single submitter. Criteria: ACMG Guidelines, 2015. Collection method: clinical testing. Allele origin: germline.

Illumina Laboratory Services, Illumina
Classification: Benign for Cone-rod dystrophy. Last evaluated: 2018-01-13. Review status: criteria provided, single submitter. Criteria: ICSL Variant Classification Criteria 13 December 2019. Collection method: clinical testing. Allele origin: germline.
Comment: This variant was observed in the ICSL laboratory as part of a predisposition screen in an ostensibly healthy population. It had not been previously curated by ICSL or reported in the Human Gene Mutation Database (HGMD: prior to June 1st, 2018), and was therefore a candidate for classification through an automated scoring system. Utilizing variant allele frequency, disease prevalence and penetrance estimates, and inheritance mode, an automated score was calculated to assess if this variant is too frequent to cause the disease. Based on the score and internal cut-off values, a variant classified as benign is not then subjected to further curation. The score for this variant resulted in a classification of benign for this disease.

Breakthrough Genomics
Classification: Benign. Review status: criteria provided, single submitter. Criteria: ACMG Guidelines, 2015. Collection method: not provided. Allele origin: germline. Inheritance: Autosomal dominant inheritance. Affected: yes.

Clinical Genetics DNA and cytogenetics Diagnostics Lab, Erasmus MC, Erasmus Medical Center
Classification: Likely benign. Review status: no assertion criteria provided. Collection method: clinical testing. Allele origin: germline. Affected: yes. Study: VKGL Data-share Consensus. Not counted in ClinVar's aggregate classification.

Clinical Genetics, Academic Medical Center
Classification: Benign. Review status: no assertion criteria provided. Collection method: clinical testing. Allele origin: germline. Affected: yes. Study: VKGL Data-share Consensus. Not counted in ClinVar's aggregate classification.

Dr. Peter K. Rogan Lab, Western University
No classification provided (evidence only). Condition: Lung cancer. Review status: no classification provided. Collection method: in vitro. Allele origin: not applicable. Functional consequence: retained intron. Not counted in ClinVar's aggregate classification.

Dr. Peter K. Rogan Lab, Western University
No classification provided (evidence only). Condition: Sarcoma. Review status: no classification provided. Collection method: in vitro. Allele origin: not applicable. Functional consequence: retained intron. Not counted in ClinVar's aggregate classification.

NM_005148.4(UNC119):c.267C>G (p.Val89=)

Gene: UNC119 (unc-119 lipid binding chaperone; minus strand). Cytogenetic location: 17q11.2.
Variant type: single nucleotide variant.
Coding change: c.267C>G on transcript NM_005148.4 (MANE Select); coding-DNA position 267, C replaced by G.
Protein change: p.Val89=; no amino-acid change (valine 89 retained).
Molecular consequence: synonymous variant. On other transcripts: 5 prime UTR variant (1).
Genome position (GRCh38, 1-based): chr17:28,548,659, G>C on the plus strand (C>G on the coding strand, the complement: UNC119 is on the minus strand). VCF-style: chr17-28548659-G-C. GRCh37 (hg19) VCF-style: chr17-26875677-G-C.
Other names: c.-19C>G (NM_001330166.2); c.267C>G, p.Val89= (NM_054035.2).
Identifiers: ClinVar variation 322467 (VCV000322467.29), dbSNP rs145710399, ClinGen allele CA8459864.
Genomic context (GRCh38, chr17:28,548,659, plus strand): 5'-TGGGGGCTTCTTGATTTCAAAGAGGACAGTGCCTGAGTCCATGTCCCGAATCTTAAACCT[G>C]ACAAAGTCGATCTTGTAGATATTCTCCTCAGGGGAGCAGAGGTAGTCTAGGGGAAACAGG-3'
Protein context (NP_005139.1, residues 79-99): PEENIYKIDF[Val89=]RFKIRDMDSG